The following is an entry in ClinVar:

ClinVar aggregate classification (germline): Pathogenic (1 of 4 stars; one submission).

Conditions:
Tuberous sclerosis 2 (TSC2). Identifiers: Orphanet 805, MedGen C1860707, MONDO:0013199, OMIM 613254.

Submission:

Labcorp Genetics (formerly Invitae), Labcorp
Classification: Pathogenic for Tuberous sclerosis 2. Last evaluated: 2023-01-05. Review status: criteria provided, single submitter. Criteria: Invitae Variant Classification Sherloc (09022015). Collection method: clinical testing. Allele origin: germline.
Comment: For these reasons, this variant has been classified as Pathogenic. This variant disrupts a region of the TSC2 protein in which other variant(s) (p.Arg1743Gln) have been determined to be pathogenic (PMID: 10732801, 16114042, 18854862, 20165957, 21309039). This suggests that this is a clinically significant region of the protein, and that variants that disrupt it are likely to be disease-causing. This variant has not been reported in the literature in individuals affected with TSC2-related conditions. This variant is not present in population databases (gnomAD no frequency). This sequence change results in a frameshift in the TSC2 gene (p.Ile1735Thrfs*90). While this is not anticipated to result in nonsense mediated decay, it is expected to disrupt the last 73 amino acid(s) of the TSC2 protein and extend the protein by 16 additional amino acid residues.

Literature cited by the submitters: PubMed 10732801; PubMed 16114042; PubMed 18854862; PubMed 20165957; PubMed 21309039.

NM_000548.5(TSC2):c.5204_5207del (p.Ile1735fs)

Gene: TSC2 (TSC complex subunit 2; plus strand). Cytogenetic location: 16p13.3.
Variant type: Deletion.
Coding change: c.5204_5207del on transcript NM_000548.5 (MANE Select); coding-DNA positions 5204 to 5207, 4 bases deleted (TCTA; older notation c.5204_5207delTCTA).
Protein change: p.Ile1735fs; shifts the reading frame from isoleucine 1735.
Molecular consequence: frameshift variant. On other transcripts: non-coding transcript variant (5).
Genome position (GRCh38, 1-based): chr16:2,088,270-2,088,273, TCTA deleted; deleting any 4 consecutive bases within chr16:2,088,268-2,088,273 gives the same sequence; the c. name uses the placement nearest the transcript's 3' end. VCF-style (leftmost placement, unchanged base first): chr16-2088267-ATATC-A. GRCh37 (hg19) VCF-style: chr16-2138268-ATATC-A.
Other names: c.5003_5006del, p.Ile1668fs (NM_001077183.3); c.5135_5138del, p.Ile1712fs (NM_001114382.3); c.4895_4898del, p.Ile1632fs (NM_001318827.2); c.4859_4862del, p.Ile1620fs (NM_001318829.2); c.4472_4475del, p.Ile1491fs (NM_001318831.2); c.5036_5039del, p.Ile1679fs (NM_001318832.2); c.5006_5009del, p.Ile1669fs (NM_001363528.2); c.5072_5075del, p.Ile1691fs (NM_001370404.1); and 27 more; short protein forms I1264fs, I1469fs, I1491fs, I1535fs, I1663fs, I1664fs, I1688fs, I1692fs.
Identifiers: ClinVar variation 2826369 (VCV002826369.3), dbSNP rs397515053, ClinGen allele CA2739269935.